The following is an entry in ClinVar:

NM_003482.4(KMT2D):c.12160A>C (p.Thr4054Pro)

Gene: KMT2D (lysine methyltransferase 2D; minus strand). Cytogenetic location: 12q13.12.
Variant type: single nucleotide variant.
Coding change: c.12160A>C on transcript NM_003482.4 (MANE Select); coding-DNA position 12160, A replaced by C.
Protein change: p.Thr4054Pro; replaces threonine 4054 with proline.
Molecular consequence: missense variant.
Genome position (GRCh38, 1-based): chr12:49,032,545, T>G on the plus strand (A>C on the coding strand, the complement: KMT2D is on the minus strand). VCF-style: chr12-49032545-T-G. GRCh37 (hg19) VCF-style: chr12-49426328-T-G.
Other names: short protein forms T4054P.
Identifiers: ClinVar variation 2577554 (VCV002577554.3), dbSNP rs900086308, ClinGen allele CA236639674.

ClinVar aggregate classification (germline): Uncertain significance. Review status: criteria provided, multiple submitters, no conflicts (2 of 4 stars). 3 submissions from 3 submitters: Uncertain significance (3). Last evaluated 2025-10-29.

Conditions:
Choanal atresia-athelia-hypothyroidism-delayed puberty-short stature syndrome (BCAHH). Also called: BRANCHIAL ARCH ABNORMALITIES, CHOANAL ATRESIA, ATHELIA, HEARING LOSS, AND HYPOTHYROIDISM SYNDROME. Identifiers: Orphanet 589856, MedGen C5680310, MONDO:0035651, OMIM 620186.
Kabuki syndrome 1 (KABUK1). Also called: KMT2D-Related Kabuki Syndrome. Identifiers: Orphanet 2322, MedGen CN030661, MONDO:0007843, OMIM 147920.
Kabuki syndrome. Also called: NIIKAWA-KUROKI SYNDROME; Kabuki make-up syndrome. Identifiers: Orphanet 2322, MedGen C0796004, MONDO:0016512.

Allele frequency attached by ClinVar (database versions not stated): gnomAD exomes below 0.00001; gnomAD 0.00002.
gnomAD v4.1: 5 of 1,608,152 alleles (0.00031%); highest among the groups gnomAD compares: African/African-American, 0.0053%; no homozygotes.

Submissions (3):

Labcorp Genetics (formerly Invitae), Labcorp
Classification: Uncertain significance for Kabuki syndrome. Last evaluated: 2025-10-29. Review status: criteria provided, single submitter. Criteria: Invitae Variant Classification Sherloc (09022015). Collection method: clinical testing. Allele origin: germline.
Comment: This sequence change replaces threonine, which is neutral and polar, with proline, which is neutral and non-polar, at codon 4054 of the KMT2D protein (p.Thr4054Pro). This variant is not present in population databases (gnomAD no frequency). This variant has not been reported in the literature in individuals affected with KMT2D-related conditions. ClinVar contains an entry for this variant (Variation ID: 2577554). Invitae Evidence Modeling of protein sequence and biophysical properties (such as structural, functional, and spatial information, amino acid conservation, physicochemical variation, residue mobility, and thermodynamic stability) indicates that this missense variant is not expected to disrupt KMT2D protein function with a negative predictive value of 95%. In summary, the available evidence is currently insufficient to determine the role of this variant in disease. Therefore, it has been classified as a Variant of Uncertain Significance.

Fulgent Genetics
Classification: Uncertain significance for Kabuki syndrome 1; Choanal atresia-athelia-hypothyroidism-delayed puberty-short stature syndrome. Last evaluated: 2024-01-20. Review status: criteria provided, single submitter. Criteria: ACMG Guidelines, 2015. Collection method: clinical testing. Allele origin: germline.

GeneDx
Classification: Uncertain significance. Last evaluated: 2023-02-24. Review status: criteria provided, single submitter. Criteria: GeneDx Variant Classification Process June 2021. Collection method: clinical testing. Allele origin: germline. Affected: yes.
Comment: Not observed at significant frequency in large population cohorts (gnomAD); In silico analysis supports that this missense variant does not alter protein structure/function; Has not been previously published as pathogenic or benign to our knowledge